The following is an entry in ClinVar:

NM_001042492.3(NF1):c.4578-1G>C

Gene: NF1 (neurofibromin 1; plus strand). Cytogenetic location: 17q11.2.
Variant type: single nucleotide variant.
Coding change: c.4578-1G>C on transcript NM_001042492.3 (MANE Select); the canonical splice acceptor site of the intron before coding-DNA position 4578, G replaced by C.
Molecular consequence: splice acceptor variant.
Genome position (GRCh38, 1-based): chr17:31,261,710, G>C. VCF-style: chr17-31261710-G-C. GRCh37 (hg19) VCF-style: chr17-29588728-G-C.
Other names: c.4515-1G>C (NM_000267.4).
Identifiers: ClinVar variation 489292 (VCV000489292.10), dbSNP rs1555618999, ClinGen allele CA399000079.

ClinVar aggregate classification (germline): Pathogenic/Likely pathogenic. Review status: criteria provided, multiple submitters, no conflicts (2 of 4 stars). 3 submissions from 3 submitters: Pathogenic (2); Likely pathogenic (1). Last evaluated 2022-03-15.

Conditions:
Neurofibromatosis, type 1 (NF1). Also called: NEUROFIBROMATOSIS, TYPE I, SOMATIC; VON RECKLINGHAUSEN DISEASE; Neurofibromatosis, type I; Peripheral type neurofibromatosis. Identifiers: Orphanet 636, MedGen C0027831, MONDO:0018975, OMIM 162200. Disease mechanism: loss of function.

Submissions (3):

Genome-Nilou Lab
Classification: Pathogenic for Neurofibromatosis, type 1. Last evaluated: 2022-03-15. Review status: criteria provided, single submitter. Criteria: ACMG Guidelines, 2015. Collection method: clinical testing. Allele origin: germline. Affected: no.

Labcorp Genetics (formerly Invitae), Labcorp
Classification: Pathogenic for Neurofibromatosis, type 1. Last evaluated: 2021-09-18. Review status: criteria provided, single submitter. Criteria: Invitae Variant Classification Sherloc (09022015). Collection method: clinical testing. Allele origin: germline.
Comment: For these reasons, this variant has been classified as Pathogenic. This sequence change affects an acceptor splice site in intron 33 of the NF1 gene. It is expected to disrupt RNA splicing. Variants that disrupt the donor or acceptor splice site typically lead to a loss of protein function (PMID: 16199547), and loss-of-function variants in NF1 are known to be pathogenic (PMID: 10712197, 23913538). This variant is not present in population databases (ExAC no frequency). Disruption of this splice site has been observed in individual(s) with neurofibromatosis type 1 (PMID: 15060124). ClinVar contains an entry for this variant (Variation ID: 489292). Algorithms developed to predict the effect of sequence changes on RNA splicing suggest that this variant may disrupt the consensus splice site.

GeneDx
Classification: Likely pathogenic. Last evaluated: 2019-06-03. Review status: criteria provided, single submitter. Criteria: GeneDx Variant Classification Process June 2021. Collection method: clinical testing. Allele origin: germline. Affected: yes.
Comment: Canonical splice site variant predicted to result in an in-frame deletionof a critical region [add additional evidence]; Not observed in large population cohorts (Lek et al., 2016); Has not been previously published as pathogenic or benign to our knowledge

Literature cited by the submitters: PubMed 16199547 (cited by Labcorp Genetics (formerly Invitae), Labcorp); PubMed 10712197 (cited by Labcorp Genetics (formerly Invitae), Labcorp); PubMed 23913538 (cited by Labcorp Genetics (formerly Invitae), Labcorp); PubMed 15060124 (cited by Labcorp Genetics (formerly Invitae), Labcorp).